The following is an entry in ClinVar:

NM_000528.4(MAN2B1):c.2657G>A (p.Arg886His)

Gene: MAN2B1 (mannosidase alpha class 2B member 1; minus strand). Cytogenetic location: 19p13.13.
Variant type: single nucleotide variant.
Coding change: c.2657G>A on transcript NM_000528.4 (MANE Select); coding-DNA position 2657, G replaced by A.
Protein change: p.Arg886His; replaces arginine 886 with histidine.
Molecular consequence: missense variant.
Genome position (GRCh38, 1-based): chr19:12,648,182, C>T on the plus strand (G>A on the coding strand, the complement: MAN2B1 is on the minus strand). VCF-style: chr19-12648182-C-T. GRCh37 (hg19) VCF-style: chr19-12758996-C-T.
Other names: c.2654G>A, p.Arg885His (NM_001173498.2); short protein forms R885H, R886H.
Identifiers: ClinVar variation 2077867 (VCV002077867.1), dbSNP rs1240726971, ClinGen allele CA404239374.
Genomic context (GRCh38, chr19:12,648,182, plus strand): 5'-GCTCCCTGGTAGACTTCAATCCGGTCCTCTCTGCCTACCCCGCTGCCCCTCACCTGCGTG[C>T]GCGGAGGAGCCCCGAGATTGTAGGCGGCGCCGCCACCCGGGGCCAGCACCACCTGAGGGG-3'
Protein context (NP_000519.2, residues 876-896): GAAYNLGAPP[Arg886His]TQFSGLRRDL

ClinVar aggregate classification (germline): Uncertain significance (1 of 4 stars; one submission).

Conditions:
Deficiency of alpha-mannosidase (MANSA). Also called: Mannosidosis, alpha-, types I and II; Alpha-Mannosidosis; LYSOSOMAL ALPHA-D-MANNOSIDASE DEFICIENCY. Identifiers: Orphanet 61, MedGen C0024748, MONDO:0009561, OMIM 248500.

Allele frequency attached by ClinVar (database versions not stated): gnomAD exomes below 0.00001; TOPMed below 0.00001.
gnomAD v4.1: 4 of 1,537,632 alleles (0.00026%); highest among the groups gnomAD compares: Non-Finnish European, 0.00035%; no homozygotes.

Submission:

Labcorp Genetics (formerly Invitae), Labcorp
Classification: Uncertain significance for Deficiency of alpha-mannosidase. Last evaluated: 2022-10-24. Review status: criteria provided, single submitter. Criteria: Invitae Variant Classification Sherloc (09022015). Collection method: clinical testing. Allele origin: germline.
Comment: This sequence change replaces arginine, which is basic and polar, with histidine, which is basic and polar, at codon 886 of the MAN2B1 protein (p.Arg886His). This variant is not present in population databases (gnomAD no frequency). This variant has not been reported in the literature in individuals affected with MAN2B1-related conditions. Advanced modeling of protein sequence and biophysical properties (such as structural, functional, and spatial information, amino acid conservation, physicochemical variation, residue mobility, and thermodynamic stability) performed at Invitae indicates that this missense variant is not expected to disrupt MAN2B1 protein function. In summary, the available evidence is currently insufficient to determine the role of this variant in disease. Therefore, it has been classified as a Variant of Uncertain Significance.